The following is an entry in ClinVar:

NM_019066.5(MAGEL2):c.946G>T (p.Ala316Ser)

Gene: MAGEL2 (MAGE family member L2; minus strand). Cytogenetic location: 15q11.2.
Variant type: single nucleotide variant.
Coding change: c.946G>T on transcript NM_019066.5 (MANE Select); coding-DNA position 946, G replaced by T.
Protein change: p.Ala316Ser; replaces alanine 316 with serine.
Molecular consequence: missense variant.
Genome position (GRCh38, 1-based): chr15:23,646,797, C>A on the plus strand (G>T on the coding strand, the complement: MAGEL2 is on the minus strand). VCF-style: chr15-23646797-C-A. GRCh37 (hg19) VCF-style: chr15-23891944-C-A.
Other names: short protein forms A316S.
Identifiers: ClinVar variation 5001712 (VCV005001712.1).

ClinVar aggregate classification (germline): Uncertain significance (1 of 4 stars; one submission).

Conditions:
MAGEL2-related disorder. Also called: MAGEL2-related condition.

gnomAD v4.1: 1 of 1,535,844 alleles (0.000065%); highest among the groups gnomAD compares: Non-Finnish European, 0.000087%; no homozygotes.

Submission:

PreventionGenetics, part of Exact Sciences
Classification: Uncertain significance for MAGEL2-related condition. Last evaluated: 2024-10-11. Review status: criteria provided, single submitter. Criteria: ACMG Guidelines, 2015. Collection method: clinical testing. Allele origin: germline.
Comment: The MAGEL2 c.946G>T variant is predicted to result in the amino acid substitution p.Ala316Ser. To our knowledge, this variant has not been reported in the literature or in a large population database (gnomAD), indicating this variant is rare. At this time, the clinical significance of this variant is uncertain due to the absence of conclusive functional and genetic evidence.